The following is an entry in ClinVar:

ClinVar aggregate classification (germline): Uncertain significance. Review status: criteria provided, multiple submitters, no conflicts (2 of 4 stars). 5 submissions from 5 submitters: Uncertain significance (4). 1 of the submissions does not count toward it. Last evaluated 2025-12-08.

Conditions:
Neuronal ceroid lipofuscinosis. Also called: Neuronal Ceroid Lipofuscinoses. Identifiers: Orphanet 216, Orphanet 79263, MedGen C0027877, MONDO:0016295. Disease mechanism: loss of function.
Inborn genetic diseases. Identifiers: MedGen C0950123, MeSH D030342.
Neuronal ceroid lipofuscinosis 8 (CLN8). Also called: CLN8-Related Neuronal Ceroid-Lipofuscinosis. Identifiers: Orphanet 168491, Orphanet 228354, Orphanet 79264, MedGen C1838570, MONDO:0010830, OMIM 600143.

Allele frequency attached by ClinVar (database versions not stated): ExAC 0.00002; gnomAD exomes 0.00002; gnomAD 0.00004; TOPMed 0.00005; 1000 Genomes Project 30x 0.00016; 1000 Genomes Project 0.00020.
gnomAD v4.1: 33 of 1,614,266 alleles (0.002%); highest among the groups gnomAD compares: African/African-American, 0.008%; no homozygotes.

Submissions (5):

Ambry Genetics
Classification: Uncertain significance for Inborn genetic diseases. Last evaluated: 2025-12-08. Review status: criteria provided, single submitter. Criteria: Ambry Variant Classification Scheme 2023. Collection method: clinical testing. Allele origin: germline.

GeneDx
Classification: Uncertain significance. Last evaluated: 2024-11-25. Review status: criteria provided, single submitter. Criteria: GeneDx Variant Classification Process June 2021. Collection method: clinical testing. Allele origin: germline. Affected: yes.
Comment: Not observed at significant frequency in large population cohorts (gnomAD); In silico analysis indicates that this missense variant does not alter protein structure/function; Has not been previously published as pathogenic or benign to our knowledge

Women's Health and Genetics/Laboratory Corporation of America, LabCorp
Classification: Uncertain significance. Last evaluated: 2023-09-26. Review status: criteria provided, single submitter. Criteria: LabCorp Variant Classification Summary - May 2015. Collection method: clinical testing. Allele origin: germline.
Comment: Variant summary: CLN8 c.545C>T (p.Ala182Val) results in a non-conservative amino acid change located in the TRAM/LAG1/CLN8 homology domain (IPR006634) of the encoded protein sequence. Three of five in-silico tools predict a benign effect of the variant on protein function. The variant is located close to a splice-site, therefore might also affect splicing. Consensus agreement among computation tools predict no significant impact on normal splicing. However, these predictions have yet to be confirmed by functional studies. The variant allele was found at a frequency of 1.6e-05 in 249978 control chromosomes (gnomAD). The available data on variant occurrences in the general population are insufficient to allow any conclusion about variant significance. To our knowledge, no occurrence of c.545C>T in individuals affected with Neuronal Ceroid-Lipofuscinosis (Batten Disease) and no experimental evidence demonstrating its impact on protein function have been reported. Four submitters have cited clinical-significance assessments for this variant to ClinVar after 2014. All submitters classified the variant as uncertain significance. Based on the evidence outlined above, the variant was classified as uncertain significance.

Labcorp Genetics (formerly Invitae), Labcorp
Classification: Uncertain significance for Neuronal ceroid lipofuscinosis. Last evaluated: 2022-08-21. Review status: criteria provided, single submitter. Criteria: Invitae Variant Classification Sherloc (09022015). Collection method: clinical testing. Allele origin: germline.
Comment: This sequence change replaces alanine, which is neutral and non-polar, with valine, which is neutral and non-polar, at codon 182 of the CLN8 protein (p.Ala182Val). This variant is present in population databases (rs541994118, gnomAD 0.007%). This variant has not been reported in the literature in individuals affected with CLN8-related conditions. ClinVar contains an entry for this variant (Variation ID: 450759). Algorithms developed to predict the effect of missense changes on protein structure and function (SIFT, PolyPhen-2, Align-GVGD) all suggest that this variant is likely to be disruptive. Algorithms developed to predict the effect of sequence changes on RNA splicing suggest that this variant may create or strengthen a splice site. In summary, the available evidence is currently insufficient to determine the role of this variant in disease. Therefore, it has been classified as a Variant of Uncertain Significance.

Natera, Inc.
Classification: Uncertain significance for Neuronal ceroid lipofuscinosis 8. Last evaluated: 2020-07-10. Review status: no assertion criteria provided. Collection method: clinical testing. Allele origin: germline. Not counted in ClinVar's aggregate classification.

NM_018941.4(CLN8):c.545C>T (p.Ala182Val)

Gene: CLN8 (CLN8 transmembrane ER and ERGIC protein; plus strand). Cytogenetic location: 8p23.3.
Variant type: single nucleotide variant.
Coding change: c.545C>T on transcript NM_018941.4 (MANE Select); coding-DNA position 545, C replaced by T.
Protein change: p.Ala182Val; replaces alanine 182 with valine.
Molecular consequence: missense variant.
Genome position (GRCh38, 1-based): chr8:1,780,251, C>T. VCF-style: chr8-1780251-C-T. GRCh37 (hg19) VCF-style: chr8-1728417-C-T.
Other names: short protein forms A182V.
Identifiers: ClinVar variation 450759 (VCV000450759.11), dbSNP rs541994118, ClinGen allele CA4599305.